The following is an entry in ClinVar:

NM_000540.3(RYR1):c.4591A>G (p.Asn1531Asp)

Gene: RYR1 (ryanodine receptor 1; plus strand). Cytogenetic location: 19q13.2.
Variant type: single nucleotide variant.
Coding change: c.4591A>G on transcript NM_000540.3 (MANE Select); coding-DNA position 4591, A replaced by G.
Protein change: p.Asn1531Asp; replaces asparagine 1531 with aspartic acid.
Molecular consequence: missense variant.
Genome position (GRCh38, 1-based): chr19:38,478,571, A>G. VCF-style: chr19-38478571-A-G. GRCh37 (hg19) VCF-style: chr19-38969211-A-G.
Other names: c.4591A>G, p.Asn1531Asp (NM_001042723.2); short protein forms N1531D.
Identifiers: ClinVar variation 3387717 (VCV003387717.1).

ClinVar aggregate classification (germline): Uncertain significance (1 of 4 stars; one submission).

Conditions:
Malignant hyperthermia, susceptibility to, 1 (MHS1). Also called: Anesthesia related hyperthermia; Malignant hyperpyrexia; Fulminating hyperpyrexia; Pharmacogenic myopathy; RYR1-Related Malignant Hyperthermia Susceptibility; Malignant hyperthermia suceptibility 1. Identifiers: Orphanet 423, MedGen C2930980, MONDO:0007783, OMIM 145600.

gnomAD v4.1: 1 of 1,613,484 alleles (0.000062%); highest among the groups gnomAD compares: Admixed American, 0.0017%; no homozygotes.

Submission:

All of Us Research Program, National Institutes of Health
Classification: Uncertain significance for Malignant hyperthermia, susceptibility to, 1. Last evaluated: 2024-03-24. Review status: criteria provided, single submitter. Criteria: ACMG Guidelines, 2015. Collection method: clinical testing. Allele origin: germline. Inheritance: Autosomal dominant inheritance. Observed: 1 variant allele, 1 heterozygote.
Comment: This missense variant replaces asparagine with aspartic acid at codon 1531 of the RYR1 protein. Computational prediction is inconclusive regarding the impact of this variant on protein structure and function (internally defined REVEL score threshold 0.5 < inconclusive < 0.7, PMID: 27666373). To our knowledge, functional studies have not been reported for this variant. This variant has not been reported in individuals affected with RYR1-related disorders in the literature. This variant has been identified in 1/250960 chromosomes in the general population by the Genome Aggregation Database (gnomAD). The available evidence is insufficient to determine the role of this variant in disease conclusively. Therefore, this variant is classified as a Variant of Uncertain Significance.

This study involves interpretation of variants in research participants for the purpose of population health screening. Participant phenotype was not available at the time of variant classification. Additional details can be found in publication PMID: 35346344, PMCID: PMC8962531